The following is an entry in ClinVar:

ClinVar aggregate classification (germline): Uncertain significance (1 of 4 stars; one submission).

Submission:

Labcorp Genetics (formerly Invitae), Labcorp
Classification: Uncertain significance. Last evaluated: 2022-02-06. Review status: criteria provided, single submitter. Criteria: Invitae Variant Classification Sherloc (09022015). Collection method: clinical testing. Allele origin: germline.
Comment: In summary, the available evidence is currently insufficient to determine the role of this variant in disease. Therefore, it has been classified as a Variant of Uncertain Significance. Algorithms developed to predict the effect of missense changes on protein structure and function (SIFT, PolyPhen-2, Align-GVGD) all suggest that this variant is likely to be tolerated. This variant has not been reported in the literature in individuals affected with ERCC2-related conditions. This variant is not present in population databases (gnomAD no frequency). This sequence change replaces glutamic acid, which is acidic and polar, with alanine, which is neutral and non-polar, at codon 589 of the ERCC2 protein (p.Glu589Ala).

NM_000400.4(ERCC2):c.1766A>C (p.Glu589Ala)

Gene: ERCC2 (ERCC excision repair 2, TFIIH core complex helicase subunit; minus strand). Cytogenetic location: 19q13.32.
Variant type: single nucleotide variant.
Coding change: c.1766A>C on transcript NM_000400.4 (MANE Select); coding-DNA position 1766, A replaced by C.
Protein change: p.Glu589Ala; replaces glutamic acid 589 with alanine.
Molecular consequence: missense variant.
Genome position (GRCh38, 1-based): chr19:45,353,148, T>G on the plus strand (A>C on the coding strand, the complement: ERCC2 is on the minus strand). VCF-style: chr19-45353148-T-G. GRCh37 (hg19) VCF-style: chr19-45856406-T-G.
Other names: short protein forms E589A.
Identifiers: ClinVar variation 2093734 (VCV002093734.4), dbSNP rs1971881189, ClinGen allele CA406364233.